The following is an entry in ClinVar:

NM_000540.3(RYR1):c.632-276C>T

Gene: RYR1 (ryanodine receptor 1; plus strand). Cytogenetic location: 19q13.2.
Variant type: single nucleotide variant.
Coding change: c.632-276C>T on transcript NM_000540.3 (MANE Select); 276 bases into the intron before coding-DNA position 632, C replaced by T.
Molecular consequence: intron variant.
Genome position (GRCh38, 1-based): chr19:38,446,196, C>T. VCF-style: chr19-38446196-C-T. GRCh37 (hg19) VCF-style: chr19-38936836-C-T.
Other names: c.632-276C>T (NM_001042723.2).
Identifiers: ClinVar variation 680756 (VCV000680756.1), dbSNP rs7253151, ClinGen allele CA15957572.

ClinVar aggregate classification (germline): Benign (1 of 4 stars; one submission).

Allele frequency attached by ClinVar (database versions not stated): 1000 Genomes Project 0.52875; 1000 Genomes Project 30x 0.53264; gnomAD 0.59799 and 0.60435; TOPMed 0.60393.
gnomAD v4.1: 90,890 of 151,738 alleles (60%); highest among the groups gnomAD compares: Admixed American, 67%; 27,772 homozygotes.

Submission:

GeneDx
Classification: Benign. Last evaluated: 2018-06-14. Review status: criteria provided, single submitter. Criteria: GeneDx Variant Classification (06012015). Collection method: clinical testing. Allele origin: germline. Affected: yes.
Comment: This variant is considered likely benign or benign based on one or more of the following criteria: it is a conservative change, it occurs at a poorly conserved position in the protein, it is predicted to be benign by multiple in silico algorithms, and/or has population frequency not consistent with disease.